The following is an entry in ClinVar:

ClinVar aggregate classification (germline): Likely benign. Review status: criteria provided, multiple submitters, no conflicts (2 of 4 stars). 2 submissions from 2 submitters: Likely benign (2). Last evaluated 2022-11-01.

Allele frequency attached by ClinVar (database versions not stated): gnomAD 0.00001; TOPMed 0.00001; gnomAD exomes 0.00004; ExAC 0.00017.

Submissions (2):

CeGaT Center for Human Genetics Tuebingen
Classification: Likely benign. Last evaluated: 2022-11-01. Review status: criteria provided, single submitter. Criteria: CeGaT Center For Human Genetics Tuebingen Variant Classification Criteria Version 2. Collection method: clinical testing. Allele origin: germline. Affected: yes. Observed: 1 variant allele.
Comment: GPAA1: BP4, BP7

Labcorp Genetics (formerly Invitae), Labcorp
Classification: Likely benign. Last evaluated: 2022-07-19. Review status: criteria provided, single submitter. Criteria: Invitae Variant Classification Sherloc (09022015). Collection method: clinical testing. Allele origin: germline.

NM_003801.4(GPAA1):c.1206C>T (p.Gly402=)

Gene: GPAA1 (glycosylphosphatidylinositol anchor attachment 1; plus strand). Cytogenetic location: 8q24.3.
Variant type: single nucleotide variant.
Coding change: c.1206C>T on transcript NM_003801.4 (MANE Select); coding-DNA position 1206, C replaced by T.
Protein change: p.Gly402=; no amino-acid change (glycine 402 retained).
Molecular consequence: synonymous variant.
Genome position (GRCh38, 1-based): chr8:144,085,084, C>T. VCF-style: chr8-144085084-C-T. GRCh37 (hg19) VCF-style: chr8-145139987-C-T.
Identifiers: ClinVar variation 1908198 (VCV001908198.29), dbSNP rs781852362, ClinGen allele CA4933088.